The following is an entry in ClinVar:

NM_018117.12(WDR11):c.859A>G (p.Thr287Ala)

Gene: WDR11 (WD repeat domain 11; plus strand). Cytogenetic location: 10q26.12.
Variant type: single nucleotide variant.
Coding change: c.859A>G on transcript NM_018117.12 (MANE Select); coding-DNA position 859, A replaced by G.
Protein change: p.Thr287Ala; replaces threonine 287 with alanine.
Molecular consequence: missense variant.
Genome position (GRCh38, 1-based): chr10:120,865,192, A>G. VCF-style: chr10-120865192-A-G. GRCh37 (hg19) VCF-style: chr10-122624704-A-G.
Other names: short protein forms T287A.
Identifiers: ClinVar variation 3062082 (VCV003062082.1), dbSNP rs1260933034, ClinGen allele CA378322598.

ClinVar aggregate classification (germline): Uncertain significance (1 of 4 stars; one submission).

Conditions:
Hypogonadotropic hypogonadism 14 with or without anosmia (HH14). Also called: HYPOGONADOTROPIC HYPOGONADISM 14 WITHOUT ANOSMIA. Identifiers: Orphanet 478, MedGen C3540450, MONDO:0013926, OMIM 614858.

gnomAD v4.1: 1 of 1,613,924 alleles (0.000062%); highest among the groups gnomAD compares: African/African-American, 0.0013%; no homozygotes.

Submission:

Illumina Laboratory Services, Illumina
Classification: Uncertain significance for Hypogonadotropic hypogonadism 14 with or without anosmia. Last evaluated: 2021-04-20. Review status: criteria provided, single submitter. Criteria: ICSLVariantClassificationCriteria RUGD 01 April 2020. Collection method: clinical testing. Allele origin: unknown.
Comment: The WDR11 c.859A>G (p.Thr287Ala) variant is a missense variant. A literature search was performed for the gene, cDNA change, and amino acid change. No publications were found based on this search. This variant is not found in the Genome Aggregation Database in a region of good sequence coverage, so the variant is presumed to be rare. Based on the limited evidence, the c.859A>G (p.Thr287Ala) variant is classified as a variant of uncertain significance for hypogonadotropic hypogonadism 14 with or without anosmia.